The following is an entry in ClinVar:

NM_015512.5(DNAH1):c.7923C>T (p.Phe2641=)

Gene: DNAH1 (dynein axonemal heavy chain 1; plus strand). Cytogenetic location: 3p21.1.
Variant type: single nucleotide variant.
Coding change: c.7923C>T on transcript NM_015512.5 (MANE Select); coding-DNA position 7923, C replaced by T.
Protein change: p.Phe2641=; no amino-acid change (phenylalanine 2641 retained).
Molecular consequence: synonymous variant.
Genome position (GRCh38, 1-based): chr3:52,382,437, C>T. VCF-style: chr3-52382437-C-T. GRCh37 (hg19) VCF-style: chr3-52416453-C-T.
Identifiers: ClinVar variation 544658 (VCV000544658.14), dbSNP rs372331607, ClinGen allele CA2435020.

ClinVar aggregate classification (germline): Likely benign. Review status: criteria provided, multiple submitters, no conflicts (2 of 4 stars). 3 submissions from 3 submitters: Likely benign (2). 1 of the submissions does not count toward it. Last evaluated 2026-01-15.

Conditions:
DNAH1-related disorder. Also called: DNAH1-related condition.
Spermatogenic failure 18. Identifiers: MedGen C4539783, MONDO:0054615, OMIM 617576.
Ciliary dyskinesia, primary, 37 (CILD37). Also called: CILIARY DYSKINESIA, PRIMARY, 37, WITH OR WITHOUT SITUS INVERSUS. Identifiers: MedGen C4539798, MONDO:0033204, OMIM 617577.

Allele frequency attached by ClinVar (database versions not stated): TOPMed 0.00048; gnomAD 0.00052 and 0.00053; gnomAD exomes 0.00056 and 0.00087; ExAC 0.00072; ESP Exome Variant Server 0.00088.
gnomAD v4.1: 1,338 of 1,613,814 alleles (0.083%); highest among the groups gnomAD compares: Non-Finnish European, 0.11%; no homozygotes.

Submissions (3):

Labcorp Genetics (formerly Invitae), Labcorp
Classification: Likely benign for Ciliary dyskinesia, primary, 37; Spermatogenic failure 18. Last evaluated: 2026-01-15. Review status: criteria provided, single submitter. Criteria: Invitae Variant Classification Sherloc (09022015). Collection method: clinical testing. Allele origin: germline.

Blueprint Genetics
Classification: Likely benign. Last evaluated: 2024-11-13. Review status: criteria provided, single submitter. Criteria: ACMG Guidelines, 2015. Collection method: clinical testing. Allele origin: germline.

PreventionGenetics, part of Exact Sciences
Classification: Likely benign for DNAH1-related condition. Last evaluated: 2024-01-09. Review status: no assertion criteria provided. Collection method: clinical testing. Allele origin: germline. Not counted in ClinVar's aggregate classification.
Comment: This variant is classified as likely benign based on ACMG/AMP sequence variant interpretation guidelines (Richards et al. 2015 PMID: 25741868, with internal and published modifications).